The following is an entry in ClinVar:

NM_206933.4(USH2A):c.3002C>G (p.Pro1001Arg)

Genes: USH2A (usherin; minus strand), USH2A-AS1 (USH2A antisense RNA 1; plus strand). Cytogenetic location: 1q41.
Variant type: single nucleotide variant.
Coding change: c.3002C>G on transcript NM_206933.4 (MANE Select); coding-DNA position 3002, C replaced by G.
Protein change: p.Pro1001Arg; replaces proline 1001 with arginine.
Molecular consequence: missense variant.
Genome position (GRCh38, 1-based): chr1:216,217,542, G>C on the plus strand (C>G on the coding strand, the complement: USH2A is on the minus strand). VCF-style: chr1-216217542-G-C. GRCh37 (hg19) VCF-style: chr1-216390884-G-C.
Other names: c.3002C>G, p.Pro1001Arg (NM_007123.6); short protein forms P1001R.
Identifiers: ClinVar variation 1992529 (VCV001992529.4), dbSNP rs2528088055, ClinGen allele CA344863011.
Genomic context (GRCh38, chr1:216,217,542, plus strand): 5'-CACTGGCCTGTGACCAAGTGACAGGTTTCATTCAAGGCTCCTGAGAGATGACAATTACAA[G>C]GCTGACATCTGAAAACAAGGCAAATAAACCATCAAAGAGAATAGTGTTTTGATTAATAAT-3'
Protein context (NP_996816.3, residues 991-1011): GFDPQTGRCQ[Pro1001Arg]CNCHLSGALN

ClinVar aggregate classification (germline): Uncertain significance (1 of 4 stars; one submission).

Submission:

Labcorp Genetics (formerly Invitae), Labcorp
Classification: Uncertain significance. Last evaluated: 2025-03-07. Review status: criteria provided, single submitter. Criteria: Invitae Variant Classification Sherloc (09022015). Collection method: clinical testing. Allele origin: germline.
Comment: This sequence change replaces proline, which is neutral and non-polar, with arginine, which is basic and polar, at codon 1001 of the USH2A protein (p.Pro1001Arg). This variant is not present in population databases (gnomAD no frequency). This variant has not been reported in the literature in individuals affected with USH2A-related conditions. ClinVar contains an entry for this variant (Variation ID: 1992529). Invitae Evidence Modeling of protein sequence and biophysical properties (such as structural, functional, and spatial information, amino acid conservation, physicochemical variation, residue mobility, and thermodynamic stability) indicates that this missense variant is not expected to disrupt USH2A protein function with a negative predictive value of 95%. In summary, the available evidence is currently insufficient to determine the role of this variant in disease. Therefore, it has been classified as a Variant of Uncertain Significance.